The following is an entry in ClinVar:

NM_014484.5(MOCS3):c.490G>A (p.Ala164Thr)

Gene: MOCS3 (molybdenum cofactor synthesis 3; plus strand). Cytogenetic location: 20q13.13.
Variant type: single nucleotide variant.
Coding change: c.490G>A on transcript NM_014484.5 (MANE Select); coding-DNA position 490, G replaced by A.
Protein change: p.Ala164Thr; replaces alanine 164 with threonine.
Molecular consequence: missense variant.
Genome position (GRCh38, 1-based): chr20:50,959,332, G>A. VCF-style: chr20-50959332-G-A. GRCh37 (hg19) VCF-style: chr20-49575869-G-A.
Other names: c.490G>A (NM_014484.3); short protein forms A164T.
Identifiers: ClinVar variation 1372149 (VCV001372149.7), dbSNP rs148952588, ClinGen allele CA9909421.
Genomic context (GRCh38, chr20:50,959,332, plus strand): 5'-TCGCTGCGCCGCCTCAATTCGGCAGTGGAATGCGTGCCGTACACTCAGGCCCTTACGCCA[G>A]CCACTGCCCTAGACCTGGTCCGCCGATATGATGTGGTGGCTGACTGCTCGGACAACGTGC-3'
Protein context (NP_055299.1, residues 154-174): CVPYTQALTP[Ala164Thr]TALDLVRRYD

ClinVar aggregate classification (germline): Uncertain significance. Review status: criteria provided, multiple submitters, no conflicts (2 of 4 stars). 2 submissions from 2 submitters: Uncertain significance (2). Last evaluated 2025-12-17.

Allele frequency attached by ClinVar (database versions not stated): ExAC 0.00021; ESP Exome Variant Server 0.00023; gnomAD 0.00030 and 0.00031; 1000 Genomes Project 30x 0.00031; TOPMed 0.00034; 1000 Genomes Project 0.00040.

Submissions (2):

Labcorp Genetics (formerly Invitae), Labcorp
Classification: Uncertain significance. Last evaluated: 2025-12-17. Review status: criteria provided, single submitter. Criteria: Invitae Variant Classification Sherloc (09022015). Collection method: clinical testing. Allele origin: germline.
Comment: This sequence change replaces alanine, which is neutral and non-polar, with threonine, which is neutral and polar, at codon 164 of the MOCS3 protein (p.Ala164Thr). This variant is present in population databases (rs148952588, gnomAD 0.1%), and has an allele count higher than expected for a pathogenic variant. This variant has not been reported in the literature in individuals affected with MOCS3-related conditions. ClinVar contains an entry for this variant (Variation ID: 1372149). An algorithm developed to predict the effect of missense changes on protein structure and function outputs the following: PolyPhen-2: "Benign". The threonine amino acid residue is found in multiple mammalian species, which suggests that this missense change does not adversely affect protein function. In summary, the available evidence is currently insufficient to determine the role of this variant in disease. Therefore, it has been classified as a Variant of Uncertain Significance.

Ambry Genetics
Classification: Uncertain significance. Last evaluated: 2021-07-09. Review status: criteria provided, single submitter. Criteria: Ambry Variant Classification Scheme 2023. Collection method: clinical testing. Allele origin: germline.